The following is an entry in ClinVar:

NM_001282116.2(RFX3):c.2188G>A (p.Val730Ile)

Gene: RFX3 (regulatory factor X3; minus strand). Cytogenetic location: 9p24.2.
Variant type: single nucleotide variant.
Coding change: c.2188G>A on transcript NM_001282116.2 (MANE Select); coding-DNA position 2188, G replaced by A.
Protein change: p.Val730Ile; replaces valine 730 with isoleucine.
Molecular consequence: missense variant.
Genome position (GRCh38, 1-based): chr9:3,225,104, C>T on the plus strand (G>A on the coding strand, the complement: RFX3 is on the minus strand). VCF-style: chr9-3225104-C-T. GRCh37 (hg19) VCF-style: chr9-3225104-C-T.
Other names: c.2251G>A, p.Val751Ile (NM_001377999.1); c.2188G>A, p.Val730Ile (NM_134428.3); short protein forms V730I, V751I.
Identifiers: ClinVar variation 3042204 (VCV003042204.2), dbSNP rs137899630, ClinGen allele CA4966889.

ClinVar aggregate classification (germline): Likely benign (0 of 4 stars; one submission).

Conditions:
RFX3-related disorder. Also called: RFX3-related condition.

Allele frequency attached by ClinVar (database versions not stated): 1000 Genomes Project 30x 0.00016; 1000 Genomes Project 0.00020; TOPMed 0.00079; gnomAD 0.00100; ESP Exome Variant Server 0.00177.
gnomAD v4.1: 2,747 of 1,613,946 alleles (0.17%); highest among the groups gnomAD compares: Non-Finnish European, 0.2%; 4 homozygotes.

Submission:

PreventionGenetics, part of Exact Sciences
Classification: Likely benign for RFX3-related condition. Last evaluated: 2024-01-08. Review status: no assertion criteria provided. Collection method: clinical testing. Allele origin: germline.
Comment: This variant is classified as likely benign based on ACMG/AMP sequence variant interpretation guidelines (Richards et al. 2015 PMID: 25741868, with internal and published modifications).